The following is an entry in ClinVar:

ClinVar aggregate classification (germline): Likely benign. Review status: criteria provided, multiple submitters, no conflicts (2 of 4 stars). 5 submissions from 5 submitters: Likely benign (2). 3 of the submissions do not count toward it. Last evaluated 2025-11-03.

Conditions:
WDR1-related disorder. Also called: WDR1-related condition.

Allele frequency attached by ClinVar (database versions not stated): ExAC 0.00005; gnomAD exomes 0.00006 and 0.00012; gnomAD 0.00008 and 0.00009; TOPMed 0.00010; ESP Exome Variant Server 0.00016.
gnomAD v4.1: 190 of 1,613,700 alleles (0.012%); highest among the groups gnomAD compares: Non-Finnish European, 0.015%; no homozygotes.

Submissions (5):

Labcorp Genetics (formerly Invitae), Labcorp
Classification: Likely benign. Last evaluated: 2025-11-03. Review status: criteria provided, single submitter. Criteria: Invitae Variant Classification Sherloc (09022015). Collection method: clinical testing. Allele origin: germline.

Blueprint Genetics
Classification: Likely benign. Last evaluated: 2024-10-22. Review status: criteria provided, single submitter. Criteria: ACMG Guidelines, 2015. Collection method: clinical testing. Allele origin: germline.

PreventionGenetics, part of Exact Sciences
Classification: Likely benign for WDR1-related condition. Last evaluated: 2022-05-26. Review status: no assertion criteria provided. Collection method: clinical testing. Allele origin: germline. Not counted in ClinVar's aggregate classification.
Comment: This variant is classified as likely benign based on ACMG/AMP sequence variant interpretation guidelines (Richards et al. 2015 PMID: 25741868, with internal and published modifications).

Clinical Genetics DNA and cytogenetics Diagnostics Lab, Erasmus MC, Erasmus Medical Center
Classification: Likely benign. Review status: no assertion criteria provided. Collection method: clinical testing. Allele origin: germline. Affected: yes. Study: VKGL Data-share Consensus. Not counted in ClinVar's aggregate classification.

Genome Diagnostics Laboratory, University Medical Center Utrecht
Classification: Likely benign. Review status: no assertion criteria provided. Collection method: clinical testing. Allele origin: germline. Affected: yes. Study: VKGL Data-share Consensus. Not counted in ClinVar's aggregate classification.

NM_017491.5(WDR1):c.489C>G (p.Ala163=)

Gene: WDR1 (WD repeat domain 1; minus strand). Cytogenetic location: 4p16.1.
Variant type: single nucleotide variant.
Coding change: c.489C>G on transcript NM_017491.5 (MANE Select); coding-DNA position 489, C replaced by G.
Protein change: p.Ala163=; no amino-acid change (alanine 163 retained).
Molecular consequence: synonymous variant. On other transcripts: intron variant (1).
Genome position (GRCh38, 1-based): chr4:10,097,780, G>C on the plus strand (C>G on the coding strand, the complement: WDR1 is on the minus strand). VCF-style: chr4-10097780-G-C. GRCh37 (hg19) VCF-style: chr4-10099404-G-C.
Other names: c.489C>G (NM_017491.3); c.139-9039C>G (NM_005112.5).
Identifiers: ClinVar variation 1285066 (VCV001285066.13), dbSNP rs201161346, ClinGen allele CA2858043.